The following is an entry in ClinVar:

NM_015164.4(PLEKHM2):c.1408G>A (p.Glu470Lys)

Gene: PLEKHM2 (pleckstrin homology and RUN domain containing M2; plus strand). Cytogenetic location: 1p36.21.
Variant type: single nucleotide variant.
Coding change: c.1408G>A on transcript NM_015164.4 (MANE Select); coding-DNA position 1408, G replaced by A.
Protein change: p.Glu470Lys; replaces glutamic acid 470 with lysine.
Molecular consequence: missense variant.
Genome position (GRCh38, 1-based): chr1:15,727,480, G>A. VCF-style: chr1-15727480-G-A. GRCh37 (hg19) VCF-style: chr1-16053975-G-A.
Other names: c.1348G>A, p.Glu450Lys (NM_001410755.1); c.1408G>A (NM_015164.2); short protein forms E450K, E470K.
Identifiers: ClinVar variation 2889968 (VCV002889968.4), dbSNP rs1338493047, ClinGen allele CA338587116.

ClinVar aggregate classification (germline): Uncertain significance. Review status: criteria provided, multiple submitters, no conflicts (2 of 4 stars). 2 submissions from 2 submitters: Uncertain significance (2). Last evaluated 2024-01-31.

Allele frequency attached by ClinVar (database versions not stated): gnomAD 0.00001; TOPMed 0.00001.
gnomAD v4.1: 16 of 1,597,658 alleles (0.001%); highest among the groups gnomAD compares: African/African-American, 0.008%; no homozygotes.

Submissions (2):

Ambry Genetics
Classification: Uncertain significance. Last evaluated: 2024-01-31. Review status: criteria provided, single submitter. Criteria: Ambry Variant Classification Scheme 2023. Collection method: clinical testing. Allele origin: germline.

Labcorp Genetics (formerly Invitae), Labcorp
Classification: Uncertain significance. Last evaluated: 2023-11-10. Review status: criteria provided, single submitter. Criteria: Invitae Variant Classification Sherloc (09022015). Collection method: clinical testing. Allele origin: germline.
Comment: This sequence change replaces glutamic acid, which is acidic and polar, with lysine, which is basic and polar, at codon 470 of the PLEKHM2 protein (p.Glu470Lys). The frequency data for this variant in the population databases is considered unreliable, as metrics indicate poor data quality at this position in the gnomAD database. This variant has not been reported in the literature in individuals affected with PLEKHM2-related conditions. An algorithm developed to predict the effect of missense changes on protein structure and function (PolyPhen-2) suggests that this variant is likely to be disruptive. In summary, the available evidence is currently insufficient to determine the role of this variant in disease. Therefore, it has been classified as a Variant of Uncertain Significance.